The following is an entry in ClinVar:

ClinVar aggregate classification (germline): Uncertain significance. Review status: criteria provided, multiple submitters, no conflicts (2 of 4 stars). 2 submissions from 2 submitters: Uncertain significance (2). Last evaluated 2024-05-19.

Conditions:
Inborn genetic diseases. Identifiers: MedGen C0950123, MeSH D030342.

Allele frequency attached by ClinVar (database versions not stated): TOPMed below 0.00001; ExAC 0.00001; gnomAD 0.00001; gnomAD exomes 0.00001.
gnomAD v4.1: 5 of 1,614,028 alleles (0.00031%); highest among the groups gnomAD compares: Admixed American, 0.005%; no homozygotes.

Submissions (2):

Ambry Genetics
Classification: Uncertain significance for Inborn genetic diseases. Last evaluated: 2024-05-19. Review status: criteria provided, single submitter. Criteria: Ambry Variant Classification Scheme 2023. Collection method: clinical testing. Allele origin: germline.
Comment: The p.C954Y variant (also known as c.2861G>A), located in coding exon 14 of the ATR gene, results from a G to A substitution at nucleotide position 2861. The cysteine at codon 954 is replaced by tyrosine, an amino acid with highly dissimilar properties. This amino acid position is conserved. In addition, this alteration is predicted to be tolerated by in silico analysis. Based on the available evidence, the clinical significance of this variant remains unclear.

Labcorp Genetics (formerly Invitae), Labcorp
Classification: Uncertain significance. Last evaluated: 2021-11-03. Review status: criteria provided, single submitter. Criteria: Invitae Variant Classification Sherloc (09022015). Collection method: clinical testing. Allele origin: germline.
Comment: In summary, the available evidence is currently insufficient to determine the role of this variant in disease. Therefore, it has been classified as a Variant of Uncertain Significance. Algorithms developed to predict the effect of missense changes on protein structure and function output the following: SIFT: "Tolerated"; PolyPhen-2: "Benign"; Align-GVGD: "Class C0". The tyrosine amino acid residue is found in multiple mammalian species, which suggests that this missense change does not adversely affect protein function. This variant has not been reported in the literature in individuals affected with ATR-related conditions. This variant is present in population databases (rs751341031, gnomAD 0.003%). This sequence change replaces cysteine, which is neutral and slightly polar, with tyrosine, which is neutral and polar, at codon 954 of the ATR protein (p.Cys954Tyr).

NM_001184.4(ATR):c.2861G>A (p.Cys954Tyr)

Gene: ATR (ATR checkpoint kinase; minus strand). Cytogenetic location: 3q23.
Variant type: single nucleotide variant.
Coding change: c.2861G>A on transcript NM_001184.4 (MANE Select); coding-DNA position 2861, G replaced by A.
Protein change: p.Cys954Tyr; replaces cysteine 954 with tyrosine.
Molecular consequence: missense variant.
Genome position (GRCh38, 1-based): chr3:142,550,247, C>T on the plus strand (G>A on the coding strand, the complement: ATR is on the minus strand). VCF-style: chr3-142550247-C-T. GRCh37 (hg19) VCF-style: chr3-142269089-C-T.
Other names: c.2861G>A (NM_001184.3); c.2669G>A, p.Cys890Tyr (NM_001354579.2); short protein forms C954Y, C890Y.
Identifiers: ClinVar variation 1418112 (VCV001418112.7), dbSNP rs751341031, ClinGen allele CA2650257.